The following is an entry in ClinVar:

ClinVar aggregate classification (germline): Likely pathogenic (1 of 4 stars; one submission).

Conditions:
USP53-related disorder. Also called: USP53-related condition.

Submission:

PreventionGenetics, part of Exact Sciences
Classification: Likely pathogenic for USP53-related condition. Last evaluated: 2026-06-28. Review status: criteria provided, single submitter. Criteria: ACMG Guidelines, 2015. Collection method: clinical testing. Allele origin: germline.
Comment: The USP53 c.2250delA variant is predicted to result in a frameshift and premature protein termination (p.Gly751Alafs*26). To our knowledge, this variant has not been reported in the literature. This variant is reported in 0.10% of alleles in individuals of South Asian descent in gnomAD. Frameshift variants in USP53 are expected to be pathogenic. This variant is interpreted as likely pathogenic.

NM_001371395.1(USP53):c.2250del (p.Gly751fs)

Gene: USP53 (ubiquitin specific peptidase 53; plus strand). Cytogenetic location: 4q26.
Variant type: Deletion.
Coding change: c.2250del on transcript NM_001371395.1 (MANE Select); coding-DNA position 2250, one base deleted (A; older notation c.2250delA).
Protein change: p.Gly751fs; shifts the reading frame from glycine 751.
Molecular consequence: frameshift variant.
Genome position (GRCh38, 1-based): chr4:119,273,707, A deleted; the last of 2 consecutive A bases (chr4:119,273,706-119,273,707); deleting either gives the same sequence. VCF-style (leftmost placement, unchanged base first): chr4-119273705-GA-G. GRCh37 (hg19) VCF-style: chr4-120194860-GA-G.
Other names: c.2097del, p.Gly700fs (NM_001371396.1, NM_001389661.1); c.2250del, p.Asp751fs (NM_001371397.1, NM_001371398.1); c.2250del, p.Gly751fs (NM_001371399.1, NM_001389658.1, NM_001389659.1 and 1 more transcripts); c.2100del, p.Gly701fs (NM_001389660.1); c.1902del, p.Gly635fs (NM_001389662.1, NM_001389663.1, NM_001389664.1); c.1749del, p.Gly584fs (NM_001389665.1); c.1902del, p.Asp635fs (NM_001389666.1); c.1749del, p.Asp584fs (NM_001389667.1); short protein forms D751fs, G700fs, D635fs, G635fs, G701fs, G751fs, D584fs, G584fs.
Identifiers: ClinVar variation 4986106 (VCV004986106.1).